The following is an entry in ClinVar:

NC_000023.10:g.(?_53349615)_(53410174_?)dup

Genes: IQSEC2 (IQ motif and Sec7 domain ArfGEF 2; minus strand), SMC1A (structural maintenance of chromosomes 1A; minus strand). Cytogenetic location: Xp11.22.
Variant type: Duplication.
Identifiers: ClinVar variation 584037 (VCV000584037.2).

ClinVar aggregate classification (germline): Uncertain significance (1 of 4 stars; one submission).

Conditions:
Congenital muscular hypertrophy-cerebral syndrome (CDLS2). Also called: SMC1A-Related Cornelia de Lange Syndrome; Cornelia de Lange syndrome 2. Identifiers: Orphanet 199, MedGen C1802395, MONDO:0010370, OMIM 300590.

Submission:

Labcorp Genetics (formerly Invitae), Labcorp
Classification: Uncertain significance for Congenital muscular hypertrophy-cerebral syndrome. Last evaluated: 2019-05-08. Review status: criteria provided, single submitter. Criteria: Invitae Variant Classification Sherloc (09022015). Collection method: clinical testing. Allele origin: germline.
Comment: This variant results in a copy number gain of the genomic region encompassing exons 20-25 of the SMC1A gene. The 5' boundary is likely confined to intron 19. The 3' end of this event is unknown as it extends beyond the assayed region for this gene and therefore may encompass additional genes. As the precise location of this event is unknown, it may be in tandem or it may be located elsewhere in the genome. This variant has not been reported in the literature in individuals with SMC1A-related disease. In summary, the available evidence is currently insufficient to determine the role of this variant in disease. Therefore, it has been classified as a Variant of Uncertain Significance.